The following is an entry in ClinVar:

NM_001009944.3(PKD1):c.10233del (p.Trp3411fs)

Gene: PKD1 (polycystin 1, transient receptor potential channel interacting; minus strand). Cytogenetic location: 16p13.3.
Variant type: Deletion.
Coding change: c.10233del on transcript NM_001009944.3 (MANE Select); coding-DNA position 10233, one base deleted (G; older notation c.10233delG).
Protein change: p.Trp3411fs; shifts the reading frame from tryptophan 3411.
Molecular consequence: frameshift variant.
Genome position (GRCh38, 1-based): chr16:2,097,491, C deleted on the plus strand (G on the coding strand, the reverse complement: PKD1 is on the minus strand); the first of 2 consecutive C bases (chr16:2,097,491-2,097,492); deleting either gives the same sequence. VCF-style (leftmost placement, unchanged base first): chr16-2097490-GC-G. GRCh37 (hg19) VCF-style: chr16-2147491-GC-G.
Other names: c.10230del, p.Trp3410fs (NM_000296.4); c.10233del (NM_001009944.2); short protein forms W3410fs, W3411fs.
Identifiers: ClinVar variation 805133 (VCV000805133.3), dbSNP rs1596501760, ClinGen allele CA915948982.

ClinVar aggregate classification (germline): Pathogenic. Review status: criteria provided, multiple submitters, no conflicts (2 of 4 stars). 3 submissions from 3 submitters: Pathogenic (3). Last evaluated 2026-02-19.

Conditions:
Polycystic kidney disease, adult type (PKD1). Also called: POLYCYSTIC KIDNEY DISEASE 1 WITH OR WITHOUT POLYCYSTIC LIVER DISEASE; Polycystic Kidney Disease 1, Autosomal Dominant; Polycystic kidney disease 1; Polycystic kidney disease 1, severe; POLYCYSTIC KIDNEY DISEASE, ADULT, TYPE I; Polycystic Kidney, Autosomal Dominant. Identifiers: MedGen C3149841, MONDO:0008263, OMIM 173900.

Submissions (3):

GeneDx
Classification: Pathogenic. Last evaluated: 2026-02-19. Review status: criteria provided, single submitter. Criteria: GeneDx Variant Classification Process June 2021. Collection method: clinical testing. Allele origin: germline.
Comment: Frameshift variant predicted to result in protein truncation or nonsense mediated decay in a gene for which loss of function is a known mechanism of disease; Not observed at significant frequency in large population cohorts (gnomAD); Has not been previously published as pathogenic or benign to our knowledge

Fulgent Genetics
Classification: Pathogenic for Polycystic kidney disease, adult type. Last evaluated: 2024-06-01. Review status: criteria provided, single submitter. Criteria: ACMG Guidelines, 2015. Collection method: clinical testing. Allele origin: germline.

Athena Diagnostics
Classification: Pathogenic. Last evaluated: 2018-11-08. Review status: criteria provided, single submitter. Criteria: Athena Diagnostics Criteria. Collection method: clinical testing. Allele origin: germline.
Comment: The variant results in a shift of the reading frame, and is therefore predicted to result in the loss of a functional protein. Found in at least one symptomatic patient, and not found in general population data.